The following is an entry in ClinVar:

ClinVar aggregate classification (germline): Uncertain significance (1 of 4 stars; one submission).

Submission:

GeneDx
Classification: Uncertain significance. Last evaluated: 2022-11-25. Review status: criteria provided, single submitter. Criteria: GeneDx Variant Classification Process June 2021. Collection method: clinical testing. Allele origin: germline. Affected: yes.
Comment: Has not been previously published as pathogenic or benign to our knowledge; Not observed at significant frequency in large population cohorts (gnomAD); In silico analysis supports that this missense variant does not alter protein structure/function

NM_000238.4(KCNH2):c.487T>C (p.Phe163Leu)

Gene: KCNH2 (potassium voltage-gated channel subfamily H member 2; minus strand). Cytogenetic location: 7q36.1.
Variant type: single nucleotide variant.
Coding change: c.487T>C on transcript NM_000238.4 (MANE Select); coding-DNA position 487, T replaced by C.
Protein change: p.Phe163Leu; replaces phenylalanine 163 with leucine.
Molecular consequence: missense variant.
Genome position (GRCh38, 1-based): chr7:150,958,488, A>G on the plus strand (T>C on the coding strand, the complement: KCNH2 is on the minus strand). VCF-style: chr7-150958488-A-G. GRCh37 (hg19) VCF-style: chr7-150655576-A-G.
Other names: c.199T>C, p.Phe67Leu (NM_001406753.1, NM_001406756.1); c.310T>C, p.Phe104Leu (NM_001406755.1); c.187T>C, p.Phe63Leu (NM_001406757.1); c.487T>C, p.Phe163Leu (NM_172056.3); short protein forms F104L, F163L, F63L, F67L.
Identifiers: ClinVar variation 1800882 (VCV001800882.1), dbSNP rs2486095263, ClinGen allele CA369863547.
Genomic context (GRCh38, chr7:150,958,488, plus strand): 5'-CCGACCGCACCGACGACTCCCGGGCCGTCAGCGCCAGCAGCGCGGGCAGCTTCAGGCGGA[A>G]GGTCTTGGCGCGGCCTGCGGGAGAGGAGAGGCACGTGGTCGTGGGGATCGCGAGCAGCCC-3'
Protein context (NP_000229.1, residues 153-173): SWLAPGRAKT[Phe163Leu]RLKLPALLAL